The following is an entry in ClinVar:

ClinVar aggregate classification (germline): Uncertain significance. Review status: criteria provided, multiple submitters, no conflicts (2 of 4 stars). 2 submissions from 2 submitters: Uncertain significance (2). Last evaluated 2024-08-14.

Conditions:
Inborn genetic diseases. Identifiers: MedGen C0950123, MeSH D030342.
Ulnar-mammary syndrome (UMS). Also called: SCHINZEL SYNDROME; Ulnar-mammary syndrome of Pallister; PALLISTER ULNAR-MAMMARY SYNDROME. Identifiers: Orphanet 3138, MedGen C1866994, MONDO:0008411, OMIM 181450.

Allele frequency attached by ClinVar (database versions not stated): TOPMed below 0.00001; gnomAD exomes 0.00001; ExAC 0.00004; ESP Exome Variant Server 0.00008.
gnomAD v4.1: 14 of 1,600,166 alleles (0.00087%); highest among the groups gnomAD compares: Middle Eastern, 0.017%; no homozygotes.

Submissions (2):

Ambry Genetics
Classification: Uncertain significance for Inborn genetic diseases. Last evaluated: 2024-08-14. Review status: criteria provided, single submitter. Criteria: Ambry Variant Classification Scheme 2023. Collection method: clinical testing. Allele origin: germline.

Labcorp Genetics (formerly Invitae), Labcorp
Classification: Uncertain significance for Ulnar-mammary syndrome. Last evaluated: 2023-10-24. Review status: criteria provided, single submitter. Criteria: Invitae Variant Classification Sherloc (09022015). Collection method: clinical testing. Allele origin: germline.
Comment: This sequence change replaces asparagine, which is neutral and polar, with serine, which is neutral and polar, at codon 673 of the TBX3 protein (p.Asn673Ser). The frequency data for this variant in the population databases is considered unreliable, as metrics indicate poor data quality at this position in the gnomAD database. This variant has not been reported in the literature in individuals affected with TBX3-related conditions. ClinVar contains an entry for this variant (Variation ID: 2050419). An algorithm developed to predict the effect of missense changes on protein structure and function (PolyPhen-2) suggests that this variant is likely to be tolerated. In summary, the available evidence is currently insufficient to determine the role of this variant in disease. Therefore, it has been classified as a Variant of Uncertain Significance.

NM_005996.4(TBX3):c.2018A>G (p.Asn673Ser)

Gene: TBX3 (T-box transcription factor 3; minus strand). Cytogenetic location: 12q24.21.
Variant type: single nucleotide variant.
Coding change: c.2018A>G on transcript NM_005996.4 (MANE Select); coding-DNA position 2018, A replaced by G.
Protein change: p.Asn673Ser; replaces asparagine 673 with serine.
Molecular consequence: missense variant.
Genome position (GRCh38, 1-based): chr12:114,671,995, T>C on the plus strand (A>G on the coding strand, the complement: TBX3 is on the minus strand). VCF-style: chr12-114671995-T-C. GRCh37 (hg19) VCF-style: chr12-115109800-T-C.
Other names: c.2018A>G (NM_005996.3); c.2078A>G, p.Asn693Ser (NM_016569.4); short protein forms N673S, N693S.
Identifiers: ClinVar variation 2050419 (VCV002050419.5), dbSNP rs376267079, ClinGen allele CA6809801.
Genomic context (GRCh38, chr12:114,671,995, plus strand): 5'-TCCGCGCAGAGTTTGGGCGACAAGGACATGGAGCTGGAGGAGAGCGTGGAGGAGCGGCTG[T>C]TGAGTTCAGAGCCCGAGTCCACTGCCACCGAGGCCGGGCTGGCGGCCAGGGCGGCGACTT-3'
Protein context (NP_005987.3, residues 663-683): SVAVDSGSEL[Asn673Ser]SRSSTLSSSS